The following is an entry in ClinVar:

ClinVar aggregate classification (germline): Uncertain significance (1 of 4 stars; one submission).

gnomAD v4.1: 3 of 1,614,166 alleles (0.00019%); highest among the groups gnomAD compares: Admixed American, 0.005%; no homozygotes.

Submission:

Labcorp Genetics (formerly Invitae), Labcorp
Classification: Uncertain significance. Last evaluated: 2024-08-27. Review status: criteria provided, single submitter. Criteria: Invitae Variant Classification Sherloc (09022015). Collection method: clinical testing. Allele origin: germline.
Comment: This sequence change replaces alanine, which is neutral and non-polar, with valine, which is neutral and non-polar, at codon 1551 of the MYH3 protein (p.Ala1551Val). This variant is present in population databases (rs756904508, gnomAD 0.009%). This variant has not been reported in the literature in individuals affected with MYH3-related conditions. Invitae Evidence Modeling of protein sequence and biophysical properties (such as structural, functional, and spatial information, amino acid conservation, physicochemical variation, residue mobility, and thermodynamic stability) indicates that this missense variant is not expected to disrupt MYH3 protein function with a negative predictive value of 95%. In summary, the available evidence is currently insufficient to determine the role of this variant in disease. Therefore, it has been classified as a Variant of Uncertain Significance.

NM_002470.4(MYH3):c.4652C>T (p.Ala1551Val)

Gene: MYH3 (myosin heavy chain 3; minus strand). Cytogenetic location: 17p13.1.
Variant type: single nucleotide variant.
Coding change: c.4652C>T on transcript NM_002470.4 (MANE Select); coding-DNA position 4652, C replaced by T.
Protein change: p.Ala1551Val; replaces alanine 1551 with valine.
Molecular consequence: missense variant.
Genome position (GRCh38, 1-based): chr17:10,632,780, G>A on the plus strand (C>T on the coding strand, the complement: MYH3 is on the minus strand). VCF-style: chr17-10632780-G-A. GRCh37 (hg19) VCF-style: chr17-10536097-G-A.
Other names: short protein forms A1551V.
Identifiers: ClinVar variation 3664600 (VCV003664600.2).